The following is an entry in ClinVar:

NM_018062.4(FANCL):c.280_281delinsTT (p.Ala94Phe)

Gene: FANCL (FA complementation group L; minus strand). Cytogenetic location: 2p16.1.
Variant type: Indel.
Coding change: c.280_281delinsTT on transcript NM_018062.4 (MANE Select); coding-DNA positions 280 to 281, GC replaced by TT.
Protein change: p.Ala94Phe; replaces alanine 94 with phenylalanine.
Molecular consequence: missense variant.
Genome position (GRCh38, 1-based): chr2:58,222,035-58,222,036, GC replaced by AA on the plus strand (GC replaced by TT on the coding strand, the reverse complement: FANCL is on the minus strand). VCF-style: chr2-58222035-GC-AA. GRCh37 (hg19) VCF-style: chr2-58449170-GC-AA.
Other names: c.280_281delGCinsTT, p.Ala94Phe (NM_001114636.2); c.280_281delinsTT, p.Ala94Phe (NM_001374615.1, NM_001410792.1); short protein forms A94F.
Identifiers: ClinVar variation 2190252 (VCV002190252.4), dbSNP rs2467427725, ClinGen allele CA2580067519.

ClinVar aggregate classification (germline): Uncertain significance (1 of 4 stars; one submission).

Conditions:
Fanconi anemia (FA). Also called: Fanconi's anemia. Identifiers: Orphanet 84, MedGen C0015625, MeSH D005199, MONDO:0019391.

Submission:

Labcorp Genetics (formerly Invitae), Labcorp
Classification: Uncertain significance for Fanconi anemia. Last evaluated: 2025-11-10. Review status: criteria provided, single submitter. Criteria: Invitae Variant Classification Sherloc (09022015). Collection method: clinical testing. Allele origin: germline.
Comment: This sequence change replaces alanine, which is neutral and non-polar, with phenylalanine, which is neutral and non-polar, at codon 94 of the FANCL protein (p.Ala94Phe). Information on the frequency of this variant in the gnomAD database is not available, as this variant may be reported differently in the database. This variant has not been reported in the literature in individuals affected with FANCL-related conditions. ClinVar contains an entry for this variant (Variation ID: 2190252). An algorithm developed to predict the effect of missense changes on protein structure and function (PolyPhen-2) suggests that this variant is likely to be disruptive. In summary, the available evidence is currently insufficient to determine the role of this variant in disease. Therefore, it has been classified as a Variant of Uncertain Significance.